The following is an entry in ClinVar:

NM_000404.4(GLB1):c.1189C>T (p.Pro397Ser)

Gene: GLB1 (galactosidase beta 1; minus strand). Cytogenetic location: 3p22.3.
Variant type: single nucleotide variant.
Coding change: c.1189C>T on transcript NM_000404.4 (MANE Select); coding-DNA position 1189, C replaced by T.
Protein change: p.Pro397Ser; replaces proline 397 with serine.
Molecular consequence: missense variant.
Genome position (GRCh38, 1-based): chr3:33,021,610, G>A on the plus strand (C>T on the coding strand, the complement: GLB1 is on the minus strand). VCF-style: chr3-33021610-G-A. GRCh37 (hg19) VCF-style: chr3-33063102-G-A.
Other names: c.1099C>T, p.Pro367Ser (NM_001079811.3); c.796C>T, p.Pro266Ser (NM_001135602.3); c.1333C>T, p.Pro445Ser (NM_001317040.2); c.1189C>T, p.Pro397Ser (NM_001393580.1); short protein forms P266S, P367S, P397S, P445S.
Identifiers: ClinVar variation 3339178 (VCV003339178.2).

ClinVar aggregate classification (germline): Uncertain significance (1 of 4 stars; one submission).

Submission:

Women's Health and Genetics/Laboratory Corporation of America, LabCorp
Classification: Uncertain significance. Last evaluated: 2025-07-25. Review status: criteria provided, single submitter. Criteria: LabCorp Variant Classification Summary - May 2015. Collection method: clinical testing. Allele origin: germline.
Comment: Variant summary: GLB1 c.1189C>T (p.Pro397Ser) results in a non-conservative amino acid change in the encoded protein sequence. Algorithms developed to predict the effect of missense changes on protein structure and function all suggest that this variant is likely to be disruptive. The variant was absent in 249294 control chromosomes. The available data on variant occurrences in the general population are insufficient to allow any conclusion about variant significance. To our knowledge, no occurrence of c.1189C>T in individuals affected with Mucopolysaccharidosis Type IVB (Morquio Syndrome B) and no experimental evidence demonstrating its impact on protein function have been reported. No submitters have cited clinical-significance assessments for this variant to ClinVar. Based on the evidence outlined above, the variant was classified as uncertain significance.